The following is an entry in ClinVar:

ClinVar aggregate classification (germline): Likely pathogenic. Review status: criteria provided, multiple submitters, no conflicts (2 of 4 stars). 3 submissions from 3 submitters: Likely pathogenic (2). 1 of the submissions does not count toward it. Last evaluated 2025-04-28.

Conditions:
USH2A-related disorder. Also called: USH2A-related disorders; USH2A-related condition. Identifiers: MedGen CN239332.
Usher syndrome type 2A. Also called: RETINAL DISEASE IN USHER SYNDROME TYPE IIA, MODIFIER OF; USHER SYNDROME, TYPE IIA. Identifiers: Orphanet 231178, Orphanet 886, MedGen C1848634, MONDO:0010169, OMIM 276901.

Submissions (3):

Myriad Genetics, Inc.
Classification: Likely pathogenic for USH2A-related disorder. Last evaluated: 2025-04-28. Review status: criteria provided, single submitter. Criteria: Myriad Autosomal Dominant, Autosomal Recessive and X-Linked Classification Criteria (2023). Collection method: clinical testing. Allele origin: unknown.
Comment: NM_206933.2(USH2A):c.849-2A>G is a variant in a canonical splice site classified as pathogenic in the context of USH2A-related disorders. c.849-2A>G has not been observed in cases with relevant disease. Relevant functional assessments of this variant are not available in the literature. c.849-2A>G has not been observed in referenced population frequency databases. . Please note: this variant was assessed in the context of healthy population screening.

Labcorp Genetics (formerly Invitae), Labcorp
Classification: Likely pathogenic. Last evaluated: 2020-03-14. Review status: criteria provided, single submitter. Criteria: Invitae Variant Classification Sherloc (09022015). Collection method: clinical testing. Allele origin: germline.
Comment: This variant has not been reported in the literature in individuals with USH2A-related conditions. This variant is not present in population databases (ExAC no frequency). This sequence change affects an acceptor splice site in intron 5 of the USH2A gene. It is expected to disrupt RNA splicing and likely results in an absent or disrupted protein product. Algorithms developed to predict the effect of sequence changes on RNA splicing suggest that this variant may disrupt the consensus splice site, but this prediction has not been confirmed by published transcriptional studies. In summary, the currently available evidence indicates that the variant is pathogenic, but additional data are needed to prove that conclusively. Therefore, this variant has been classified as Likely Pathogenic. Donor and acceptor splice site variants typically lead to a loss of protein function (PMID: 16199547), and loss-of-function variants in USH2A are known to be pathogenic (PMID: 10729113, 10909849, 20507924, 25649381).

Natera, Inc.
Classification: Likely pathogenic for Usher syndrome type 2A. Last evaluated: 2020-08-14. Review status: no assertion criteria provided. Collection method: clinical testing. Allele origin: germline. Not counted in ClinVar's aggregate classification.

Literature cited by the submitters: PubMed 16199547 (cited by Labcorp Genetics (formerly Invitae), Labcorp); PubMed 10729113 (cited by Labcorp Genetics (formerly Invitae), Labcorp); PubMed 10909849 (cited by Labcorp Genetics (formerly Invitae), Labcorp); PubMed 20507924 (cited by Labcorp Genetics (formerly Invitae), Labcorp); PubMed 25649381 (cited by Labcorp Genetics (formerly Invitae), Labcorp).

NM_206933.4(USH2A):c.849-2A>G

Gene: USH2A (usherin; minus strand). Cytogenetic location: 1q41.
Variant type: single nucleotide variant.
Coding change: c.849-2A>G on transcript NM_206933.4 (MANE Select); the canonical splice acceptor site of the intron before coding-DNA position 849, A replaced by G.
Molecular consequence: splice acceptor variant.
Genome position (GRCh38, 1-based): chr1:216,325,601, T>C on the plus strand (A>G on the coding strand, the complement: USH2A is on the minus strand). VCF-style: chr1-216325601-T-C. GRCh37 (hg19) VCF-style: chr1-216498943-T-C.
Other names: c.849-2A>G (NM_007123.6).
Identifiers: ClinVar variation 1067663 (VCV001067663.9), dbSNP rs2102656326, ClinGen allele CA344912788.